The following is an entry in ClinVar:

ClinVar aggregate classification (germline): Likely pathogenic. Review status: criteria provided, multiple submitters, no conflicts (2 of 4 stars). 2 submissions from 2 submitters: Likely pathogenic (2). Last evaluated 2024-10-14.

Conditions:
Combined malonic and methylmalonic acidemia. Identifiers: Orphanet 289504, MedGen C3280314, MONDO:0013661, OMIM 614265.

Submissions (2):

Natera, Inc.
Classification: Likely pathogenic for Combined malonic and methylmalonic aciduria. Last evaluated: 2024-10-14. Review status: criteria provided, single submitter. Criteria: Natera Variant Classification Schema (03/2026). Collection method: clinical testing. Allele origin: germline.
Comment: The c.1203C>A variant in ACSF3 is a nonsense variant predicted to introduce a stop codon at amino acid 401. This variant is expected to result in nonsense mediated decay, truncation, or a dysfunctional protein product. This variant is rare in the general population with a frequency below the threshold expected for the associated phenotype(s). Given the available evidence, this variant is classified as Likely Pathogenic.

Baylor Genetics
Classification: Likely pathogenic for Combined malonic and methylmalonic acidemia. Last evaluated: 2023-03-02. Review status: criteria provided, single submitter. Criteria: ACMG Guidelines, 2015. Collection method: clinical testing. Allele origin: unknown.

NM_001243279.3(ACSF3):c.1203C>A (p.Tyr401Ter)

Gene: ACSF3 (acyl-CoA synthetase family member 3; plus strand). Cytogenetic location: 16q24.3.
Variant type: single nucleotide variant.
Coding change: c.1203C>A on transcript NM_001243279.3 (MANE Select); coding-DNA position 1203, C replaced by A.
Protein change: p.Tyr401Ter; replaces tyrosine 401 with a stop codon.
Molecular consequence: nonsense. On other transcripts: non-coding transcript variant (3).
Genome position (GRCh38, 1-based): chr16:89,120,877, C>A. VCF-style: chr16-89120877-C-A. GRCh37 (hg19) VCF-style: chr16-89187285-C-A.
Other names: c.1203C>A, p.Tyr401Ter (NM_001127214.4, NM_174917.5); c.408C>A, p.Tyr136Ter (NM_001284316.2); c.1203C>A (NM_174917.4); short protein forms Y136*, Y401*.
Identifiers: ClinVar variation 2680550 (VCV002680550.2), dbSNP rs776003939, ClinGen allele CA397142336.
Genomic context (GRCh38, chr16:89,120,877, plus strand): 5'-ACTGCCTGGAGTACAGGTGCGCATTGTCTCAGAAAACCCACAGAGGGAAGCCTGCTCCTA[C>A]ACCATCCACGCAGAGGGAGACGAGAGGGGGACCAAGGTAAGCCACTCTGCTCTTGGCAGG-3'